The following is an entry in ClinVar:

NM_003906.5(MCM3AP):c.3336-2A>T

Gene: MCM3AP (minichromosome maintenance complex component 3 associated protein; minus strand). Cytogenetic location: 21q22.3.
Variant type: single nucleotide variant.
Coding change: c.3336-2A>T on transcript NM_003906.5 (MANE Select); the canonical splice acceptor site of the intron before coding-DNA position 3336, A replaced by T.
Molecular consequence: splice acceptor variant.
Genome position (GRCh38, 1-based): chr21:46,261,413, T>A on the plus strand (A>T on the coding strand, the complement: MCM3AP is on the minus strand). VCF-style: chr21-46261413-T-A. GRCh37 (hg19) VCF-style: chr21-47681327-T-A.
Identifiers: ClinVar variation 1957010 (VCV001957010.5), dbSNP rs2517375631, ClinGen allele CA410556488.

ClinVar aggregate classification (germline): Likely pathogenic (1 of 4 stars; one submission).

Submission:

Labcorp Genetics (formerly Invitae), Labcorp
Classification: Likely pathogenic. Last evaluated: 2022-05-27. Review status: criteria provided, single submitter. Criteria: Invitae Variant Classification Sherloc (09022015). Collection method: clinical testing. Allele origin: germline.
Comment: In summary, the currently available evidence indicates that the variant is pathogenic, but additional data are needed to prove that conclusively. Therefore, this variant has been classified as Likely Pathogenic. Algorithms developed to predict the effect of sequence changes on RNA splicing suggest that this variant may disrupt the consensus splice site. This variant has not been reported in the literature in individuals affected with MCM3AP-related conditions. This variant is not present in population databases (gnomAD no frequency). This sequence change affects an acceptor splice site in intron 13 of the MCM3AP gene. It is expected to disrupt RNA splicing. Variants that disrupt the donor or acceptor splice site typically lead to a loss of protein function (PMID: 16199547), and loss-of-function variants in MCM3AP are known to be pathogenic (PMID: 28633435).

Literature cited by the submitters: PubMed 16199547; PubMed 28633435.